The following is an entry in ClinVar:

ClinVar aggregate classification (germline): Likely benign. Review status: criteria provided, multiple submitters, no conflicts (2 of 4 stars). 2 submissions from 2 submitters: Likely benign (2). Last evaluated 2023-03-17.

Conditions:
Charcot-Marie-Tooth disease axonal type 2V. Also called: CHARCOT-MARIE-TOOTH NEUROPATHY, TYPE 2V; CHARCOT-MARIE-TOOTH DISEASE, AXONAL, AUTOSOMAL DOMINANT, TYPE 2V. Identifiers: Orphanet 447964, MedGen C5569050, MONDO:0014665, OMIM 616491.
Mucopolysaccharidosis, MPS-III-B (MPS3B). Also called: MUCOPOLYSACCHARIDOSIS, TYPE IIIB; N-ACETYL-ALPHA-D-GLUCOSAMINIDASE DEFICIENCY; NAGLU DEFICIENCY; SANFILIPPO SYNDROME B; Mucopolysaccharidosis type IIIB (Sanfilippo B); MPS IIIB (Sanfilippo Syndrome Type B). Identifiers: Orphanet 79270, MedGen C0086648, MONDO:0009656, OMIM 252920.

Submissions (2):

Labcorp Genetics (formerly Invitae), Labcorp
Classification: Likely benign for Charcot-Marie-Tooth disease axonal type 2V; Mucopolysaccharidosis, MPS-III-B. Last evaluated: 2023-03-17. Review status: criteria provided, single submitter. Criteria: Invitae Variant Classification Sherloc (09022015). Collection method: clinical testing. Allele origin: germline.

CeGaT Center for Human Genetics Tuebingen
Classification: Likely benign. Last evaluated: 2022-08-01. Review status: criteria provided, single submitter. Criteria: CeGaT Center For Human Genetics Tuebingen Variant Classification Criteria Version 2. Collection method: clinical testing. Allele origin: germline. Affected: yes. Observed: 1 variant allele.
Comment: NAGLU: PM2:Supporting, BP4, BP7

NM_000263.4(NAGLU):c.1614G>A (p.Glu538=)

Gene: NAGLU (N-acetyl-alpha-glucosaminidase; plus strand). Cytogenetic location: 17q21.2.
Variant type: single nucleotide variant.
Coding change: c.1614G>A on transcript NM_000263.4 (MANE Select); coding-DNA position 1614, G replaced by A.
Protein change: p.Glu538=; no amino-acid change (glutamic acid 538 retained).
Molecular consequence: synonymous variant.
Genome position (GRCh38, 1-based): chr17:42,543,620, G>A. VCF-style: chr17-42543620-G-A. GRCh37 (hg19) VCF-style: chr17-40695638-G-A.
Identifiers: ClinVar variation 1711438 (VCV001711438.33), dbSNP rs2092928338, ClinGen allele CA500217101.